The following is an entry in ClinVar:

NM_004036.5(ADCY3):c.85G>A (p.Asp29Asn)

Gene: ADCY3 (adenylate cyclase 3; minus strand). Cytogenetic location: 2p23.3.
Variant type: single nucleotide variant.
Coding change: c.85G>A on transcript NM_004036.5 (MANE Select); coding-DNA position 85, G replaced by A.
Protein change: p.Asp29Asn; replaces aspartic acid 29 with asparagine.
Molecular consequence: missense variant.
Genome position (GRCh38, 1-based): chr2:24,918,903, C>T on the plus strand (G>A on the coding strand, the complement: ADCY3 is on the minus strand). VCF-style: chr2-24918903-C-T. GRCh37 (hg19) VCF-style: chr2-25141772-C-T.
Other names: c.85G>A, p.Asp29Asn (NM_001320613.2, NM_001377128.1, NM_001377129.1 and 2 more transcripts); short protein forms D29N.
Identifiers: ClinVar variation 3349451 (VCV003349451.1).
Genomic context (GRCh38, chr2:24,918,903, plus strand): 5'-GGCACAGGCAGGAGCCCGAGTTCCGGACCGAGATTTCATGGGTCCGGCCCACCCCGCGGT[C>T]AGGGTCGGAGGGCAGGCTGACGGAGTACTCGGCTGAGTACTCGGCCGAGTATTCGGGCTC-3'
Protein context (NP_004027.2, residues 19-39): EYSVSLPSDP[Asp29Asn]RGVGRTHEIS

ClinVar aggregate classification (germline): Uncertain significance (0 of 4 stars; one submission).

Conditions:
ADCY3-related disorder. Also called: ADCY3-related condition.

Submission:

PreventionGenetics, part of Exact Sciences
Classification: Uncertain significance for ADCY3-related condition. Last evaluated: 2023-12-26. Review status: no assertion criteria provided. Collection method: clinical testing. Allele origin: germline.
Comment: The ADCY3 c.85G>A variant is predicted to result in the amino acid substitution p.Asp29Asn. To our knowledge, this variant has not been reported in the literature or in a large population database, indicating this variant is rare. At this time, the clinical significance of this variant is uncertain due to the absence of conclusive functional and genetic evidence.